The following is an entry in ClinVar:

NM_000092.5(COL4A4):c.193-9C>G

Gene: COL4A4 (collagen type IV alpha 4 chain; minus strand). Cytogenetic location: 2q36.3.
Variant type: single nucleotide variant.
Coding change: c.193-9C>G on transcript NM_000092.5 (MANE Select); 9 bases into the intron before coding-DNA position 193, C replaced by G.
Molecular consequence: intron variant.
Genome position (GRCh38, 1-based): chr2:227,121,157, G>C on the plus strand (C>G on the coding strand, the complement: COL4A4 is on the minus strand). VCF-style: chr2-227121157-G-C. GRCh37 (hg19) VCF-style: chr2-227985873-G-C.
Identifiers: ClinVar variation 334739 (VCV000334739.30), dbSNP rs190570269, ClinGen allele CA2145751.

ClinVar aggregate classification (germline): Conflicting classifications of pathogenicity. Review status: criteria provided, conflicting classifications (1 of 4 stars). 6 submissions from 6 submitters: Uncertain significance (1); Benign (1); Likely benign (3). 1 of the submissions does not count toward it. Last evaluated 2026-02-17.

Conditions:
Alport syndrome. Also called: Hemorrhagic familial nephritis; Hemorrhagic hereditary nephritis; Congenital hereditary hematuria. Identifiers: Orphanet 63, MedGen C1567741, MONDO:0018965.
COL4A4-related disorder.

Allele frequency attached by ClinVar (database versions not stated): gnomAD 0.00020 and 0.00024; ExAC 0.00032; TOPMed 0.00041; 1000 Genomes Project 0.00120; 1000 Genomes Project 30x 0.00125.
gnomAD v4.1: 140 of 1,613,826 alleles (0.0087%); highest among the groups gnomAD compares: East Asian, 0.27%; no homozygotes.

Submissions (6):

PreventionGenetics, part of Exact Sciences
Classification: Likely benign for COL4A4-related condition. Last evaluated: 2026-02-17. Review status: criteria provided, single submitter. Criteria: ACMG Guidelines, 2015. Collection method: clinical testing. Allele origin: germline.
Comment: This variant is classified as likely benign based on ACMG/AMP sequence variant interpretation guidelines (Richards et al. 2015 PMID: 25741868, with internal and published modifications).

Labcorp Genetics (formerly Invitae), Labcorp
Classification: Benign. Last evaluated: 2026-02-02. Review status: criteria provided, single submitter. Criteria: Invitae Variant Classification Sherloc (09022015). Collection method: clinical testing. Allele origin: germline.

Blueprint Genetics
Classification: Likely benign. Last evaluated: 2024-10-30. Review status: criteria provided, single submitter. Criteria: ACMG Guidelines, 2015. Collection method: clinical testing. Allele origin: germline.

GeneDx
Classification: Likely benign. Last evaluated: 2020-03-04. Review status: criteria provided, single submitter. Criteria: GeneDx Variant Classification Process June 2021. Collection method: clinical testing. Allele origin: germline. Affected: yes.

Illumina Laboratory Services, Illumina
Classification: Uncertain significance for Alport syndrome. Last evaluated: 2018-01-13. Review status: criteria provided, single submitter. Criteria: ICSL Variant Classification Criteria 13 December 2019. Collection method: clinical testing. Allele origin: germline.

Natera, Inc.
Classification: Likely benign for Alport syndrome. Last evaluated: 2020-02-03. Review status: no assertion criteria provided. Collection method: clinical testing. Allele origin: germline. Not counted in ClinVar's aggregate classification.